The following is an entry in ClinVar:

ClinVar aggregate classification (germline): Pathogenic (1 of 4 stars; one submission).

Conditions:
Aicardi-Goutieres syndrome 5. Identifiers: Orphanet 51, MedGen C2749659, MONDO:0013059, OMIM 612952.

Submission:

Labcorp Genetics (formerly Invitae), Labcorp
Classification: Pathogenic for Aicardi-Goutieres syndrome 5. Last evaluated: 2023-11-19. Review status: criteria provided, single submitter. Criteria: Invitae Variant Classification Sherloc (09022015). Collection method: clinical testing. Allele origin: unknown.
Comment: This variant is a gross deletion of the genomic region encompassing exon(s) 7-13 of the SAMHD1 gene. This variant would be expected to be in-frame, preserving the integrity of the reading frame. This variant has not been reported in the literature in individuals affected with SAMHD1-related conditions. This variant disrupts a region of the SAMHD1 protein in which other variant(s) (p.Ile448Thr) have been determined to be pathogenic (PMID: 27943079, 28229507; Invitae). This suggests that this is a clinically significant region of the protein, and that variants that disrupt it are likely to be disease-causing. For these reasons, this variant has been classified as Pathogenic.

Literature cited by the submitters: PubMed 27943079; PubMed 28229507.

NC_000020.10:g.(?_35532540)_(35547942_?)del

Gene: SAMHD1 (SAM and HD domain containing deoxynucleoside triphosphate triphosphohydrolase 1; minus strand). Cytogenetic location: 20q11.23.
Variant type: Deletion.
Identifiers: ClinVar variation 3248290 (VCV003248290.1).